The following is an entry in ClinVar:

NM_001330691.3(CEP78):c.2064G>C (p.Leu688Phe)

Gene: CEP78 (centrosomal protein 78; plus strand). Cytogenetic location: 9q21.2.
Variant type: single nucleotide variant.
Coding change: c.2064G>C on transcript NM_001330691.3 (MANE Select); coding-DNA position 2064, G replaced by C.
Protein change: p.Leu688Phe; replaces leucine 688 with phenylalanine.
Molecular consequence: missense variant.
Genome position (GRCh38, 1-based): chr9:78,266,660, G>C. VCF-style: chr9-78266660-G-C. GRCh37 (hg19) VCF-style: chr9-80881576-G-C.
Other names: c.2067G>C, p.Leu689Phe (NM_001098802.3, NM_001349839.2); c.2016G>C, p.Leu672Phe (NM_001330693.3, NM_001330694.2); c.2064G>C, p.Leu688Phe (NM_001349838.2); c.2019G>C, p.Leu673Phe (NM_001349840.2, NM_032171.3); short protein forms L673F, L689F, L672F, L688F.
Identifiers: ClinVar variation 2004392 (VCV002004392.4), dbSNP rs192270589, ClinGen allele CA373867864.
Genomic context (GRCh38, chr9:78,266,660, plus strand): 5'-GTGTTCTCCTTCACCAGATGCGACTTCTGGAACTGGAAGTCAAAGAAAAGAAGAGGAGTT[G>C]TCCAGAAATAGCAGATCTTCTTCAGAGAAAAAGACCAAAACAGGTGAATATACCAAAAAA-3'
Protein context (NP_001317620.1, residues 678-698): GTGSQRKEEE[Leu688Phe]SRNSRSSSEK

ClinVar aggregate classification (germline): Uncertain significance (1 of 4 stars; one submission).

Submission:

Labcorp Genetics (formerly Invitae), Labcorp
Classification: Uncertain significance. Last evaluated: 2022-06-10. Review status: criteria provided, single submitter. Criteria: Invitae Variant Classification Sherloc (09022015). Collection method: clinical testing. Allele origin: germline.
Comment: In summary, the available evidence is currently insufficient to determine the role of this variant in disease. Therefore, it has been classified as a Variant of Uncertain Significance. Algorithms developed to predict the effect of missense changes on protein structure and function are either unavailable or do not agree on the potential impact of this missense change (SIFT: "Deleterious"; PolyPhen-2: "Benign"; Align-GVGD: "Class C0"). This variant has not been reported in the literature in individuals affected with CEP78-related conditions. This variant is not present in population databases (gnomAD no frequency). This sequence change replaces leucine, which is neutral and non-polar, with phenylalanine, which is neutral and non-polar, at codon 689 of the CEP78 protein (p.Leu689Phe).